The following is an entry in ClinVar:

NM_006231.4(POLE):c.734A>G (p.Asn245Ser)

Gene: POLE (DNA polymerase epsilon, catalytic subunit; minus strand). Cytogenetic location: 12q24.33.
Variant type: single nucleotide variant.
Coding change: c.734A>G on transcript NM_006231.4 (MANE Select); coding-DNA position 734, A replaced by G.
Protein change: p.Asn245Ser; replaces asparagine 245 with serine.
Molecular consequence: missense variant.
Genome position (GRCh38, 1-based): chr12:132,677,430, T>C on the plus strand (A>G on the coding strand, the complement: POLE is on the minus strand). VCF-style: chr12-132677430-T-C. GRCh37 (hg19) VCF-style: chr12-133254016-T-C.
Other names: short protein forms N245S.
Identifiers: ClinVar variation 651881 (VCV000651881.12), dbSNP rs761812569, ClinGen allele CA387364534.

ClinVar aggregate classification (germline): Conflicting classifications of pathogenicity. Review status: criteria provided, conflicting classifications (1 of 4 stars). 2 submissions from 2 submitters: Uncertain significance (1); Likely benign (1). Last evaluated 2026-01-26.

Conditions:
Hereditary cancer-predisposing syndrome. Also called: Neoplastic Syndromes, Hereditary; Tumor predisposition; Hereditary Cancer Syndrome; Hereditary neoplastic syndrome. Identifiers: Orphanet 140162, MedGen C0027672, MeSH D009386, MONDO:0015356.

Allele frequency attached by ClinVar (database versions not stated): TOPMed below 0.00001.
gnomAD v4.1: 4 of 1,614,024 alleles (0.00025%); highest among the groups gnomAD compares: Non-Finnish European, 0.00034%; no homozygotes.

Submissions (2):

Labcorp Genetics (formerly Invitae), Labcorp
Classification: Uncertain significance. Last evaluated: 2026-01-26. Review status: criteria provided, single submitter. Criteria: Invitae Variant Classification Sherloc (09022015). Collection method: clinical testing. Allele origin: germline.
Comment: This sequence change replaces asparagine, which is neutral and polar, with serine, which is neutral and polar, at codon 245 of the POLE protein (p.Asn245Ser). This variant is not present in population databases (gnomAD no frequency). This variant has not been reported in the literature in individuals affected with POLE-related conditions. ClinVar contains an entry for this variant (Variation ID: 651881). Invitae Evidence Modeling of protein sequence and biophysical properties (such as structural, functional, and spatial information, amino acid conservation, physicochemical variation, residue mobility, and thermodynamic stability) indicates that this missense variant is not expected to disrupt POLE protein function with a negative predictive value of 80%. In summary, the available evidence is currently insufficient to determine the role of this variant in disease. Therefore, it has been classified as a Variant of Uncertain Significance.

Ambry Genetics
Classification: Likely benign for Hereditary cancer-predisposing syndrome. Last evaluated: 2024-12-16. Review status: criteria provided, single submitter. Criteria: Ambry Variant Classification Scheme 2023. Collection method: clinical testing. Allele origin: germline.